The following is an entry in ClinVar:

ClinVar aggregate classification (germline): Likely benign. Review status: criteria provided, multiple submitters, no conflicts (2 of 4 stars). 2 submissions from 2 submitters: Likely benign (2). Last evaluated 2026-06-02.

Conditions:
PLEC-related disorder. Also called: PLEC-related condition; PLEC-related disorders.
Epidermolysis bullosa simplex 5B, with muscular dystrophy (EBS5B). Also called: Epidermolysis bullosa simplex with muscular dystrophy; EPIDERMOLYSIS BULLOSA SIMPLEX AND LIMB-GIRDLE MUSCULAR DYSTROPHY. Identifiers: Orphanet 257, MedGen C2931072, MONDO:0009181, OMIM 226670.
Epidermolysis bullosa simplex, Ogna type (EBS5A). Also called: Pidermolysis bullosa simplex 5A, Ogna type; EPIDERMOLYSIS BULLOSA SIMPLEX 5A, OGNA TYPE. Identifiers: Orphanet 79401, MedGen C0432317, MONDO:0007555, OMIM 131950.
Epidermolysis bullosa simplex 5C, with pyloric atresia (EBS5C). Also called: PLEC1-Related Epidermolysis Bullosa with Pyloric Atresia; PLEC-Related Epidermolysis Bullosa with Pyloric Atresia; Epidermolysis bullosa simplex with pyloric atresia. Identifiers: Orphanet 158684, MedGen C2677349, MONDO:0012807, OMIM 612138.
Epidermolysis bullosa simplex with nail dystrophy (EBS5D). Identifiers: MedGen C4225309, MONDO:0014661, OMIM 616487.
Autosomal recessive limb-girdle muscular dystrophy type 2Q (LGMDR17). Also called: MUSCULAR DYSTROPHY, LIMB-GIRDLE, AUTOSOMAL RECESSIVE 17. Identifiers: Orphanet 254361, MedGen C3150989, MONDO:0013390, OMIM 613723.

Allele frequency attached by ClinVar (database versions not stated): TOPMed 0.00002; gnomAD 0.00003; ExAC 0.00004; gnomAD exomes 0.00009; 1000 Genomes Project 30x 0.00031; 1000 Genomes Project 0.00040.
gnomAD v4.1: 135 of 1,608,644 alleles (0.0084%); highest among the groups gnomAD compares: East Asian, 0.3%; no homozygotes.

Submissions (2):

PreventionGenetics, part of Exact Sciences
Classification: Likely benign for PLEC-related condition. Last evaluated: 2026-06-02. Review status: criteria provided, single submitter. Criteria: ACMG Guidelines, 2015. Collection method: clinical testing. Allele origin: germline.
Comment: This variant is classified as likely benign based on ACMG/AMP sequence variant interpretation guidelines (Richards et al. 2015 PMID: 25741868, with internal and published modifications).

Labcorp Genetics (formerly Invitae), Labcorp
Classification: Likely benign for Autosomal recessive limb-girdle muscular dystrophy type 2Q; Epidermolysis bullosa simplex, Ogna type; Epidermolysis bullosa simplex with nail dystrophy; Epidermolysis bullosa simplex 5C, with pyloric atresia; Epidermolysis bullosa simplex 5B, with muscular dystrophy. Last evaluated: 2025-02-24. Review status: criteria provided, single submitter. Criteria: Invitae Variant Classification Sherloc (09022015). Collection method: clinical testing. Allele origin: germline.

NM_201384.3(PLEC):c.8997G>A (p.Gln2999=)

Gene: PLEC (plectin; minus strand). Cytogenetic location: 8q24.3.
Variant type: single nucleotide variant.
Coding change: c.8997G>A on transcript NM_201384.3 (MANE Select); coding-DNA position 8997, G replaced by A.
Protein change: p.Gln2999=; no amino-acid change (glutamine 2999 retained).
Molecular consequence: synonymous variant.
Genome position (GRCh38, 1-based): chr8:143,920,824, C>T on the plus strand (G>A on the coding strand, the complement: PLEC is on the minus strand). VCF-style: chr8-143920824-C-T. GRCh37 (hg19) VCF-style: chr8-144994992-C-T.
Other names: c.9078G>A, p.Gln3026= (NM_000445.5); c.5697G>A, p.Gln1899= (NM_001410941.1); c.8955G>A, p.Gln2985= (NM_201378.4); c.8931G>A, p.Gln2977= (NM_201379.3); c.9408G>A, p.Gln3136= (NM_201380.4); c.8901G>A, p.Gln2967= (NM_201381.3); c.8997G>A, p.Gln2999= (NM_201382.4); c.9009G>A, p.Gln3003= (NM_201383.3); and 1 more.
Identifiers: ClinVar variation 2150005 (VCV002150005.5), dbSNP rs142198763, ClinGen allele CA4925115.